The following is an entry in ClinVar:

ClinVar aggregate classification (germline): Uncertain significance. Review status: criteria provided, multiple submitters, no conflicts (2 of 4 stars). 6 submissions from 4 submitters: Uncertain significance (5). 1 of the submissions does not count toward it. Last evaluated 2026-05-05.

Conditions:
Neuromuscular disease caused by qualitative or quantitative defects of dysferlin. Also called: Dysferlinopathy; Qualitative or quantitative defects of dysferlin. Identifiers: Orphanet 207073, MedGen C2931687, MONDO:0016145.
Inborn genetic diseases. Identifiers: MedGen C0950123, MeSH D030342.
Autosomal recessive limb-girdle muscular dystrophy type 2B (LGMDR2). Also called: MUSCULAR DYSTROPHY, LIMB-GIRDLE, TYPE 3; MUSCULAR DYSTROPHY, LIMB-GIRDLE, AUTOSOMAL RECESSIVE 2; Limb-girdle muscular dystrophy, type 2B; Limb-Girdle Muscular Dystrophy Type 2B (LGMD2B). Identifiers: Orphanet 268, MedGen C1850889, MONDO:0009676, OMIM 253601.
Miyoshi muscular dystrophy 1 (MMD1). Identifiers: Orphanet 45448, MedGen C4551973, MONDO:0024545, OMIM 254130.
Distal myopathy with anterior tibial onset. Identifiers: Orphanet 178400, MedGen C1847532, MONDO:0011721, OMIM 606768.

Allele frequency attached by ClinVar (database versions not stated): gnomAD 0.00001; gnomAD exomes 0.00004 and 0.00002; TOPMed 0.00001; 1000 Genomes Project 0.00020; ExAC 0.00002; 1000 Genomes Project 30x 0.00016.
gnomAD v4.1: 28 of 1,614,132 alleles (0.0017%); highest among the groups gnomAD compares: South Asian, 0.021%; no homozygotes.

Submissions (6):

Ambry Genetics
Classification: Uncertain significance for Inborn genetic diseases. Last evaluated: 2026-05-05. Review status: criteria provided, single submitter. Criteria: Ambry Variant Classification Scheme 2023. Collection method: clinical testing. Allele origin: germline.

Labcorp Genetics (formerly Invitae), Labcorp
Classification: Uncertain significance for Neuromuscular disease caused by qualitative or quantitative defects of dysferlin. Last evaluated: 2022-07-25. Review status: criteria provided, single submitter. Criteria: Invitae Variant Classification Sherloc (09022015). Collection method: clinical testing. Allele origin: germline.
Comment: This sequence change replaces proline, which is neutral and non-polar, with serine, which is neutral and polar, at codon 529 of the DYSF protein (p.Pro529Ser). This variant is present in population databases (rs559177313, gnomAD 0.03%). This variant has not been reported in the literature in individuals affected with DYSF-related conditions. ClinVar contains an entry for this variant (Variation ID: 943432). Algorithms developed to predict the effect of missense changes on protein structure and function are either unavailable or do not agree on the potential impact of this missense change (SIFT: "Tolerated"; PolyPhen-2: "Possibly Damaging"; Align-GVGD: "Class C0"). In summary, the available evidence is currently insufficient to determine the role of this variant in disease. Therefore, it has been classified as a Variant of Uncertain Significance.

Genome-Nilou Lab
Classification: Uncertain significance for Miyoshi muscular dystrophy 1. Last evaluated: 2021-07-14. Review status: criteria provided, single submitter. Criteria: ACMG Guidelines, 2015. Collection method: clinical testing. Allele origin: germline. Affected: no.

Genome-Nilou Lab
Classification: Uncertain significance for Autosomal recessive limb-girdle muscular dystrophy type 2B. Last evaluated: 2021-07-14. Review status: criteria provided, single submitter. Criteria: ACMG Guidelines, 2015. Collection method: clinical testing. Allele origin: germline. Affected: no.

Genome-Nilou Lab
Classification: Uncertain significance for Distal myopathy with anterior tibial onset. Last evaluated: 2021-07-14. Review status: criteria provided, single submitter. Criteria: ACMG Guidelines, 2015. Collection method: clinical testing. Allele origin: germline. Affected: no.

Natera, Inc.
Classification: Uncertain significance for Limb-girdle muscular dystrophy type 2B. Last evaluated: 2020-05-08. Review status: no assertion criteria provided. Collection method: clinical testing. Allele origin: germline. Not counted in ClinVar's aggregate classification.

NM_001130987.2(DYSF):c.1639C>T (p.Pro547Ser)

Gene: DYSF (dysferlin; plus strand). Cytogenetic location: 2p13.2.
Variant type: single nucleotide variant.
Coding change: c.1639C>T on transcript NM_001130987.2 (MANE Select); coding-DNA position 1639, C replaced by T.
Protein change: p.Pro547Ser; replaces proline 547 with serine.
Molecular consequence: missense variant.
Genome position (GRCh38, 1-based): chr2:71,551,103, C>T. VCF-style: chr2-71551103-C-T. GRCh37 (hg19) VCF-style: chr2-71778233-C-T.
Other names: c.1588C>T, p.Pro530Ser (NM_001130455.2, NM_001130983.2); c.1543C>T, p.Pro515Ser (NM_001130976.2, NM_001130977.2); c.1585C>T, p.Pro529Ser (NM_001130978.2, NM_003494.4); c.1678C>T, p.Pro560Ser (NM_001130979.2); c.1636C>T, p.Pro546Ser (NM_001130980.2, NM_001130981.2); c.1681C>T, p.Pro561Ser (NM_001130982.2); c.1546C>T, p.Pro516Ser (NM_001130984.2, NM_001130986.2); c.1639C>T, p.Pro547Ser (NM_001130985.2); short protein forms P515S, P530S, P516S, P547S, P560S, P561S, P529S, P546S.
Identifiers: ClinVar variation 943432 (VCV000943432.12), dbSNP rs559177313, ClinGen allele CA1705875.